The following is an entry in ClinVar:

NM_001375808.2(LPIN2):c.2546+51T>A

Gene: LPIN2 (lipin 2; minus strand). Cytogenetic location: 18p11.31.
Variant type: single nucleotide variant.
Coding change: c.2546+51T>A on transcript NM_001375808.2 (MANE Select); 51 bases into the intron after coding-DNA position 2546, T replaced by A.
Molecular consequence: intron variant.
Genome position (GRCh38, 1-based): chr18:2,920,727, A>T on the plus strand (T>A on the coding strand, the complement: LPIN2 is on the minus strand). VCF-style: chr18-2920727-A-T. GRCh37 (hg19) VCF-style: chr18-2920725-A-T.
Other names: c.2546+51T>A (NM_014646.2, NM_001375809.1).
Identifiers: ClinVar variation 1222181 (VCV001222181.6), dbSNP rs3737514, ClinGen allele CA8872684.

ClinVar aggregate classification (germline): Benign. Review status: criteria provided, multiple submitters, no conflicts (2 of 4 stars). 3 submissions from 3 submitters: Benign (3). Last evaluated 2023-11-12.

Allele frequency attached by ClinVar (database versions not stated): ESP Exome Variant Server 0.14678; TOPMed 0.18448; 1000 Genomes Project 0.28315; 1000 Genomes Project 30x 0.27514.
gnomAD v4.1: 205,021 of 1,382,128 alleles (15%); highest among the groups gnomAD compares: East Asian, 57%; 21,571 homozygotes.

Submissions (3):

Unidad de Genómica Garrahan, Hospital de Pediatría Garrahan
Classification: Benign. Last evaluated: 2023-11-12. Review status: criteria provided, single submitter. Criteria: ACMG Guidelines, 2015. Collection method: clinical testing. Allele origin: germline. Affected: no. Observed: 34 variant alleles.
Comment: This variant is classified as Benign based on local population frequency. This variant was detected in 35% of patients studied by a panel of primary immunodeficiencies. Number of patients: 34. Only high quality variants are reported.

GeneDx
Classification: Benign. Last evaluated: 2015-03-03. Review status: criteria provided, single submitter. Criteria: GeneDx Variant Classification Process June 2021. Collection method: clinical testing. Allele origin: germline. Affected: yes.

Breakthrough Genomics
Classification: Benign. Review status: criteria provided, single submitter. Criteria: ACMG Guidelines, 2015. Collection method: not provided. Allele origin: germline. Inheritance: Unknown mechanism. Affected: yes.